The following is an entry in ClinVar:

NM_058216.3(RAD51C):c.186A>G (p.Gln62=)

Gene: RAD51C (RAD51 paralog C; plus strand). Cytogenetic location: 17q22.
Variant type: single nucleotide variant.
Coding change: c.186A>G on transcript NM_058216.3 (MANE Select); coding-DNA position 186, A replaced by G.
Protein change: p.Gln62=; no amino-acid change (glutamine 62 retained).
Molecular consequence: synonymous variant. On other transcripts: non-coding transcript variant (2).
Genome position (GRCh38, 1-based): chr17:58,694,971, A>G. VCF-style: chr17-58694971-A-G. GRCh37 (hg19) VCF-style: chr17-56772332-A-G.
Other names: p.Q62Q:CAA>CAG; c.186A>G, p.Gln62= (NM_002876.4).
Identifiers: ClinVar variation 138869 (VCV000138869.53), dbSNP rs28363303, ClinGen allele CA294288.

ClinVar aggregate classification (germline): Benign/Likely benign. Review status: criteria provided, multiple submitters, no conflicts (2 of 4 stars). 22 submissions from 20 submitters: Benign (12); Likely benign (6). 4 of the submissions do not count toward it. Last evaluated 2026-03-01.

Conditions:
Breast and/or ovarian cancer. Identifiers: MedGen CN221562.
Hereditary cancer-predisposing syndrome. Also called: Tumor predisposition; Hereditary neoplastic syndrome; Hereditary Cancer Syndrome; Neoplastic Syndromes, Hereditary. Identifiers: Orphanet 140162, MedGen C0027672, MeSH D009386, MONDO:0015356.
Fanconi anemia complementation group O. Also called: RAD51C-Related Fanconi Anemia. Identifiers: Orphanet 84, MedGen C3150653, MONDO:0013248, OMIM 613390.
Breast-ovarian cancer, familial, susceptibility to, 3. Also called: RAD51C-Related Breast/Ovarian Cancer. Identifiers: Orphanet 145, MedGen C3150659, MONDO:0013253, OMIM 613399.
Malignant tumor of breast. Also called: Cancer breast; Malignant breast neoplasm. Identifiers: MedGen C0006142, MONDO:0007254. Disease mechanism: loss of function.

Allele frequency attached by ClinVar (database versions not stated): gnomAD exomes 0.00026 and 0.00080; ExAC 0.00101; ESP Exome Variant Server 0.00300; gnomAD 0.00307 and 0.00322; TOPMed 0.00325; 1000 Genomes Project 0.00379.
gnomAD v4.1: 870 of 1,614,128 alleles (0.054%); highest among the groups gnomAD compares: African/African-American, 0.99%; 6 homozygotes.

Submissions (22):

CeGaT Center for Human Genetics Tuebingen
Classification: Likely benign. Last evaluated: 2026-03-01. Review status: criteria provided, single submitter. Criteria: CeGaT Center For Human Genetics Tuebingen Variant Classification Criteria Version 2. Collection method: clinical testing. Allele origin: germline. Affected: yes. Observed: 2 variant alleles.
Comment: RAD51C: BP4, BP7

Labcorp Genetics (formerly Invitae), Labcorp
Classification: Benign for Fanconi anemia complementation group O. Last evaluated: 2026-02-03. Review status: criteria provided, single submitter. Criteria: Invitae Variant Classification Sherloc (09022015). Collection method: clinical testing. Allele origin: germline.

Center for Genomic Medicine, Rigshospitalet, Copenhagen University Hospital
Classification: Benign. Last evaluated: 2025-03-04. Review status: criteria provided, single submitter. Criteria: ACMG Guidelines, 2015. Collection method: clinical testing. Allele origin: germline.

Blueprint Genetics
Classification: Likely benign. Last evaluated: 2024-11-25. Review status: criteria provided, single submitter. Criteria: ACMG Guidelines, 2015. Collection method: clinical testing. Allele origin: germline.

KCCC/NGS Laboratory, Kuwait Cancer Control Center
Classification: Benign for Breast-ovarian cancer, familial, susceptibility to, 3. Last evaluated: 2023-07-07. Review status: criteria provided, single submitter. Criteria: ACMG Guidelines, 2015. Collection method: clinical testing. Allele origin: germline. Affected: yes.

Myriad Genetics, Inc.
Classification: Benign for Breast-ovarian cancer, familial, susceptibility to, 3. Last evaluated: 2023-04-05. Review status: criteria provided, single submitter. Criteria: Myriad Autosomal Dominant, Autosomal Recessive and X-Linked Classification Criteria (2023). Collection method: clinical testing. Allele origin: unknown.
Comment: This variant is considered benign. This variant is a silent/synonymous amino acid change and it is not expected to impact splicing.

CHEO Genetics Diagnostic Laboratory, Children's Hospital of Eastern Ontario
Classification: Benign for Breast and/or ovarian cancer. Last evaluated: 2022-11-09. Review status: criteria provided, single submitter. Criteria: ACMG Guidelines, 2015. Collection method: clinical testing. Allele origin: germline.

Quest Diagnostics Nichols Institute San Juan Capistrano
Classification: Benign. Last evaluated: 2022-08-23. Review status: criteria provided, single submitter. Criteria: Quest Diagnostics criteria. Collection method: clinical testing. Allele origin: unknown.

ARUP Laboratories, Molecular Genetics and Genomics, ARUP Laboratories
Classification: Benign. Last evaluated: 2022-04-30. Review status: criteria provided, single submitter. Criteria: ARUP Molecular Germline Variant Investigation Process 2021. Collection method: clinical testing. Allele origin: germline.

Genetic Services Laboratory, University of Chicago
Classification: Likely benign. Last evaluated: 2021-10-01. Review status: criteria provided, single submitter. Criteria: ACMG Guidelines, 2015. Collection method: clinical testing. Allele origin: germline. Affected: no.

Illumina Laboratory Services, Illumina
Classification: Likely benign for Fanconi anemia complementation group O. Last evaluated: 2018-01-13. Review status: criteria provided, single submitter. Criteria: ICSL Variant Classification Criteria 13 December 2019. Collection method: clinical testing. Allele origin: germline.
Comment: This variant was observed in the ICSL laboratory as part of a predisposition screen in an ostensibly healthy population. It had not been previously curated by ICSL or reported in the Human Gene Mutation Database (HGMD: prior to June 1st, 2018), and was therefore a candidate for classification through an automated scoring system. Utilizing variant allele frequency, disease prevalence and penetrance estimates, and inheritance mode, an automated score was calculated to assess if this variant is too frequent to cause the disease. Based on the score and internal cut-off values, a variant classified as likely benign is not then subjected to further curation. The score for this variant resulted in a classification of likely benign for this disease.

Illumina Laboratory Services, Illumina
Classification: Likely benign for Breast-ovarian cancer, familial, susceptibility to, 3. Last evaluated: 2018-01-13. Review status: criteria provided, single submitter. Criteria: ICSL Variant Classification Criteria 13 December 2019. Collection method: clinical testing. Allele origin: germline.
Comment: the same text as in the submission from Illumina Laboratory Services, Illumina above.

Women's Health and Genetics/Laboratory Corporation of America, LabCorp
Classification: Benign. Last evaluated: 2016-07-01. Review status: criteria provided, single submitter. Criteria: LabCorp Variant Classification Summary - May 2015. Collection method: clinical testing. Allele origin: germline.
Comment: Variant summary: The c.186A>G (p.GLn62=) in RAD51C gene is a synonymous change that involves a non-conserved nucleotide. 5/5 programs in Alamut predict that this variant does not affect normal splicing, however no functional studies supporting this notion were published at the time of evaluation. The variant is present in the control population dataset of ExAC at frequency of 0.001(123/121184 chrs tested), predominantly in individuals of African origin (0.01; 117/10292 control chrs). This frequency greatly exceeds the maximal expected frequency of a pathogenic allele (0.00006) in this gene. The variant of interest has been reported in several affected individuals in co-occurrence with known pathogenic variant in BRCA2 gene in at least 1HBOC family. In addition, the variant has been classified as Benign by reputable databases/clinical laboratory. Taking together, the variant was classified as Benign.

Color Diagnostics, LLC DBA Color Health
Classification: Benign for Hereditary cancer-predisposing syndrome. Last evaluated: 2015-08-17. Review status: criteria provided, single submitter. Criteria: ACMG Guidelines, 2015. Collection method: clinical testing. Allele origin: germline.

Ambry Genetics
Classification: Benign for Hereditary cancer-predisposing syndrome. Last evaluated: 2014-11-25. Review status: criteria provided, single submitter. Criteria: Ambry Variant Classification Scheme 2023. Collection method: clinical testing. Allele origin: germline.

GeneDx
Classification: Benign. Last evaluated: 2014-03-14. Review status: criteria provided, single submitter. Criteria: GeneDx Variant Classification (06012015). Collection method: clinical testing. Allele origin: germline. Affected: yes.
Comment: This variant is considered likely benign or benign based on one or more of the following criteria: it is a conservative change, it occurs at a poorly conserved position in the protein, it is predicted to be benign by multiple in silico algorithms, and/or has population frequency not consistent with disease.

Breakthrough Genomics
Classification: Likely benign. Review status: criteria provided, single submitter. Criteria: ACMG Guidelines, 2015. Collection method: not provided. Allele origin: germline. Inheritance: Autosomal recessive inheritance. Affected: yes.

PreventionGenetics, part of Exact Sciences
Classification: Benign. Review status: criteria provided, single submitter. Criteria: ACMG Guidelines, 2015. Collection method: clinical testing. Allele origin: germline.

True Health Diagnostics
Classification: Likely benign for Hereditary cancer-predisposing syndrome. Last evaluated: 2017-09-13. Review status: no assertion criteria provided. Collection method: clinical testing. Allele origin: germline. Not counted in ClinVar's aggregate classification.

Counsyl
Classification: Benign for Fanconi anemia complementation group O. Last evaluated: 2016-05-25. Review status: no assertion criteria provided. Collection method: clinical testing. Allele origin: unknown. Not counted in ClinVar's aggregate classification.

Counsyl
Classification: Benign for Breast-ovarian cancer, familial, susceptibility to, 3. Last evaluated: 2016-05-25. Review status: no assertion criteria provided. Collection method: clinical testing. Allele origin: unknown. Not counted in ClinVar's aggregate classification.

Department of Pathology and Laboratory Medicine, Sinai Health System
Classification: Benign for Malignant tumor of breast. Review status: no assertion criteria provided. Collection method: clinical testing. Allele origin: unknown. Affected: yes. Study: The Canadian Open Genetics Repository (COGR). Not counted in ClinVar's aggregate classification.
Comment: The RAD51C p.Gln62= variant was identified in 3 of 4196 proband chromosomes (frequency: 0.001) from American, Danish and Spanish individuals or families with non-BRCA1/2 hereditary breast/ovarian cancer (Zheng_2010_20697805, Romero_2011_21537932, Jonson_2015_26740214, Clague_2011_21980511). In 1 proband, the variant co-occurred with a disease-causing BRCA2 mutation (p.Lys172Lys) (Jonson_2015_26740214). The variant was also identified in dbSNP (ID: rs28363303) â€šÃ„ÃºWith Likely benign alleleâ€šÃ„Ã¹, ClinVar (classified benign by GeneDx, Ambry Genetics, Invitae, Prevention Genetics, Counsyl, and likely benign by Illumina, and Quest Diagnostics Nichols Institute San Juan), and Clinvitae (6x) but was not identified in Cosmic, MutDB, or LOVD 3.0. The variant was identified in control databases in 279 (1 homozygous) of 277224 chromosomes at a frequency of 0.001 increasing the likelihood this could be a low frequency benign variant (Genome Aggregation Database Feb 27, 2017). Breakdown of the observations by population include African in 254 of 24038 chromosomes (freq: 0.01), Latino in 18 of 34420 chromosomes (freq: 0.0005), European Non-Finnish in 5 of 126712 chromosomes (freq: 0.00004), and South Asian in 2 of 30776 chromosomes (freq: 0.00007), while not observed in the Other, Ashkenazi Jewish, East Asian, and European Finnish populations. The p.Gln62= variant is not expected to have clinical significance because it does not result in a change of amino acid and is not located in a known consensus splice site. In addition, in silico or computational prediction software programs (SpliceSiteFinder, MaxEntScan, NNSPLICE, GeneSplicer, HumanSpliceFinder) do not predict a difference in splicing. In summary, based on the above information this variant meets our laboratory's criteria to be classified as benign.

Literature cited by the submitters: PubMed 21980511 (cited by Quest Diagnostics Nichols Institute San Juan Capistrano and Women's Health and Genetics/Laboratory Corporation of America, LabCorp); PubMed 20697805 (cited by 3 submitters); PubMed 26740214 (cited by Quest Diagnostics Nichols Institute San Juan Capistrano and Women's Health and Genetics/Laboratory Corporation of America, LabCorp); PubMed 21537932 (cited by Quest Diagnostics Nichols Institute San Juan Capistrano).